The following is an entry in ClinVar:

NM_175914.5(HNF4A):c.863G>A (p.Arg288Gln)

Gene: HNF4A (hepatocyte nuclear factor 4 alpha; plus strand). Cytogenetic location: 20q13.12.
Variant type: single nucleotide variant.
Coding change: c.863G>A on transcript NM_175914.5 (MANE Select); coding-DNA position 863, G replaced by A.
Protein change: p.Arg288Gln; replaces arginine 288 with glutamine.
Molecular consequence: missense variant.
Genome position (GRCh38, 1-based): chr20:44,424,054, G>A. VCF-style: chr20-44424054-G-A. GRCh37 (hg19) VCF-style: chr20-43052694-G-A.
Other names: NM_178850.2:c.929G>A; c.929G>A, p.Arg310Gln (NM_000457.6, NM_178849.3, NM_178850.3); c.863G>A, p.Arg288Gln (NM_001030003.3, NM_001030004.3); c.908G>A, p.Arg303Gln (NM_001258355.2); c.854G>A, p.Arg285Gln (NM_001287182.2, NM_001287183.2, NM_001287184.2); short protein forms R285Q, R288Q, R310Q, R303Q.
Identifiers: ClinVar variation 632373 (VCV000632373.16), dbSNP rs371124358, ClinGen allele CA9870396.

ClinVar aggregate classification (germline): Uncertain significance. Review status: criteria provided, multiple submitters, no conflicts (2 of 4 stars). 6 submissions from 6 submitters: Uncertain significance (6). Last evaluated 2025-12-07.

Conditions:
Maturity-onset diabetes of the young type 1. Also called: MODY type 1; Diabetes mellitus MODY type 1; MODY HNF4A related; HNF4A-Related Maturity-Onset Diabetes of the Young Type 1; MODY, type I; MILD JUVENILE DIABETES MELLITUS. Identifiers: Orphanet 552, MedGen C1852093, MONDO:0007452, OMIM 125850. Disease mechanism: loss of function.
Type 2 diabetes mellitus. Also called: Type II diabetes mellitus. Identifiers: MedGen C0011860, MeSH D003924, MONDO:0005148, OMIM 125853, HP:0005978.
Fanconi renotubular syndrome 4 with maturity-onset diabetes of the young (FRTS4). Also called: FRTS4 WITH MODY. Identifiers: Orphanet 93111, MedGen C4014962, MONDO:0014458, OMIM 616026.
Familial hyperinsulinism. Also called: Congenital hyperinsulinism. Identifiers: Orphanet 276525, MedGen C3888018, MONDO:0017182. Disease mechanism: loss of function.

Allele frequency attached by ClinVar (database versions not stated): gnomAD 0.00004; TOPMed 0.00006.
gnomAD v4.1: 123 of 1,613,094 alleles (0.0076%); highest among the groups gnomAD compares: Non-Finnish European, 0.0096%; no homozygotes.

Submissions (6):

Labcorp Genetics (formerly Invitae), Labcorp
Classification: Uncertain significance. Last evaluated: 2025-12-07. Review status: criteria provided, single submitter. Criteria: Invitae Variant Classification Sherloc (09022015). Collection method: clinical testing. Allele origin: germline.
Comment: This sequence change replaces arginine, which is basic and polar, with glutamine, which is neutral and polar, at codon 288 of the HNF4A protein (p.Arg288Gln). This variant is present in population databases (rs371124358, gnomAD 0.01%). This missense change has been observed in individual(s) with clinical features of maturity onset diabetes of the young (PMID: 15928245, 29207974). This variant is also known as c.929G>A, p.Arg301Gln or p.Arg310Gln. ClinVar contains an entry for this variant (Variation ID: 632373). Invitae Evidence Modeling of protein sequence and biophysical properties (such as structural, functional, and spatial information, amino acid conservation, physicochemical variation, residue mobility, and thermodynamic stability) has been performed for this missense variant. However, the output from this modeling did not meet the statistical confidence thresholds required to predict the impact of this variant on HNF4A protein function. In summary, the available evidence is currently insufficient to determine the role of this variant in disease. Therefore, it has been classified as a Variant of Uncertain Significance.

Fulgent Genetics
Classification: Uncertain significance for Maturity-onset diabetes of the young type 1; Type 2 diabetes mellitus; Fanconi renotubular syndrome 4 with maturity-onset diabetes of the young. Last evaluated: 2024-02-15. Review status: criteria provided, single submitter. Criteria: ACMG Guidelines, 2015. Collection method: clinical testing. Allele origin: germline.

Women's Health and Genetics/Laboratory Corporation of America, LabCorp
Classification: Uncertain significance. Last evaluated: 2023-07-02. Review status: criteria provided, single submitter. Criteria: LabCorp Variant Classification Summary - May 2015. Collection method: clinical testing. Allele origin: germline.
Comment: Variant summary: HNF4A c.863G>A (p.Arg288Gln) results in a conservative amino acid change located in the Nuclear hormone receptor, ligand-binding domain of the encoded protein sequence. Three of five in-silico tools predict a benign effect of the variant on protein function. The variant allele was found at a frequency of 5.6e-05 in 247962 control chromosomes. The observed variant frequency is approximately 18.0 fold of the estimated maximal expected allele frequency for a pathogenic variant in HNF4A causing monogenic diabetes (3.1e-06), suggesting that the variant may be benign. However, this data must be taken with caution due to the potential inclusion of mild-phenotype patients within the large population-based cohort. c.863G>A has been reported in the literature in a family with monogenic diabetes (segregation is specified, however the number of family members with disease is not mentioned; Johansen_2005) and in two individuals from a type 2 diabetes cohort (Bansal_2017). These data do not allow any conclusion about variant significance. To our knowledge, no experimental evidence demonstrating an impact on protein function has been reported. The following publications have been ascertained in the context of this evaluation (PMID: 29207974, 24097065, 24476040, 23227446, 15928245). Four submitters have cited clinical-significance assessments for this variant to ClinVar after 2014. All submitters classified the variant as uncertain significance. Based on the evidence outlined above, the variant was classified as uncertain significance.

Revvity Omics, Revvity
Classification: Uncertain significance. Last evaluated: 2021-09-16. Review status: criteria provided, single submitter. Criteria: ACMG Guidelines, 2015. Collection method: clinical testing. Allele origin: germline.

Broad Center for Mendelian Genomics, Broad Institute of MIT and Harvard
Classification: Uncertain significance for Maturity-onset diabetes of the young type 1. Last evaluated: 2020-01-22. Review status: criteria provided, single submitter. Criteria: ACMG Guidelines, 2015. Collection method: curation. Allele origin: germline. Inheritance: Autosomal dominant inheritance.
Comment: The p.Arg310Gln variant in HNF4A has not been previously reported in individuals with MODY, and has been identified in 0.009% (12/126714) of European (non-Finnish) chromosomes by the Genome Aggregation Database (gnomAD; dbSNP rs371124358). Computational prediction tools and conservation analyses do not provide strong support for or against an impact to the protein. In summary, while the clinical significance of the p.Arg310Gln variant is uncertain, these data suggest that it is more likely to be benign. ACMG/AMP Criteria applied: BS1 (Richards 2015).

Illumina Laboratory Services, Illumina
Classification: Uncertain significance for Familial hyperinsulinism. Last evaluated: 2017-04-27. Review status: criteria provided, single submitter. Criteria: ICSL Variant Classification Criteria 13 December 2019. Collection method: clinical testing. Allele origin: germline.

Literature cited by the submitters: PubMed 15928245 (cited by Labcorp Genetics (formerly Invitae), Labcorp and Women's Health and Genetics/Laboratory Corporation of America, LabCorp); PubMed 29207974 (cited by Labcorp Genetics (formerly Invitae), Labcorp and Women's Health and Genetics/Laboratory Corporation of America, LabCorp); PubMed 24097065 (cited by Women's Health and Genetics/Laboratory Corporation of America, LabCorp); PubMed 24476040 (cited by Women's Health and Genetics/Laboratory Corporation of America, LabCorp); PubMed 23227446 (cited by Women's Health and Genetics/Laboratory Corporation of America, LabCorp).